The following is an entry in ClinVar:

ClinVar aggregate classification (germline): Uncertain significance (1 of 4 stars; one submission).

Conditions:
Primary ciliary dyskinesia. Also called: Ciliary dyskinesia. Identifiers: Orphanet 244, MedGen C0008780, MONDO:0016575, HP:0012265.

Submission:

Ambry Genetics
Classification: Uncertain significance for Primary ciliary dyskinesia. Last evaluated: 2026-08-29. Review status: criteria provided, single submitter. Criteria: Ambry Variant Classification Scheme 2023. Collection method: clinical testing. Allele origin: germline.
Comment: The p.S280F variant (also known as c.839C>T), located in coding exon 10 of the DNAI1 gene, results from a C to T substitution at nucleotide position 839. The serine at codon 280 is replaced by phenylalanine, an amino acid with highly dissimilar properties. This amino acid position is conserved. In addition, this alteration is predicted to be tolerated by in silico analysis. Based on the available evidence, the clinical significance of this variant remains unclear.

NM_012144.4(DNAI1):c.839C>T (p.Ser280Phe)

Gene: DNAI1 (dynein axonemal intermediate chain 1; plus strand). Cytogenetic location: 9p13.3.
Variant type: single nucleotide variant.
Coding change: c.839C>T on transcript NM_012144.4 (MANE Select); coding-DNA position 839, C replaced by T.
Protein change: p.Ser280Phe; replaces serine 280 with phenylalanine.
Molecular consequence: missense variant.
Genome position (GRCh38, 1-based): chr9:34,497,137, C>T. VCF-style: chr9-34497137-C-T. GRCh37 (hg19) VCF-style: chr9-34497135-C-T.
Other names: c.851C>T, p.Ser284Phe (NM_001281428.2); short protein forms S280F, S284F.
Identifiers: ClinVar variation 5035478 (VCV005035478.1).
Genomic context (GRCh38, chr9:34,497,137, plus strand): 5'-CTGGTTTATGAGGACCTGAAGTTTCTGTATCCCCACAGACTGATGATCTCATCAAATTGT[C>T]CCAAGCTGCTAAGATCATGGAGCGGATGGTCAACCAGAATACATATGATGACATTGCTCA-3'
Protein context (NP_036276.1, residues 270-290): ESQTDDLIKL[Ser280Phe]QAAKIMERMV